The following is an entry in ClinVar:

NM_152743.4(BRAT1):c.920A>C (p.His307Pro)

Gene: BRAT1 (BRCA1 associated ATM activator 1; minus strand). Cytogenetic location: 7p22.3.
Variant type: single nucleotide variant.
Coding change: c.920A>C on transcript NM_152743.4 (MANE Select); coding-DNA position 920, A replaced by C.
Protein change: p.His307Pro; replaces histidine 307 with proline.
Molecular consequence: missense variant. On other transcripts: non-coding transcript variant (1).
Genome position (GRCh38, 1-based): chr7:2,543,207, T>G on the plus strand (A>C on the coding strand, the complement: BRAT1 is on the minus strand). VCF-style: chr7-2543207-T-G. GRCh37 (hg19) VCF-style: chr7-2582841-T-G.
Other names: c.920A>C, p.His307Pro (NM_001350626.2); c.395A>C, p.His132Pro (NM_001350627.2); short protein forms H132P, H307P.
Identifiers: ClinVar variation 963401 (VCV000963401.29), dbSNP rs778881636, ClinGen allele CA4128019.

ClinVar aggregate classification (germline): Uncertain significance. Review status: criteria provided, multiple submitters, no conflicts (2 of 4 stars). 3 submissions from 3 submitters: Uncertain significance (3). Last evaluated 2024-11-18.

Conditions:
Neonatal-onset encephalopathy with rigidity and seizures. Also called: Lethal neonatal spasticity-epileptic encephalopathy syndrome. Identifiers: Orphanet 435845, MedGen C3281029, MONDO:0013784, OMIM 614498.

Allele frequency attached by ClinVar (database versions not stated): TOPMed 0.00002; gnomAD exomes 0.00003; ExAC 0.00005.
gnomAD v4.1: 30 of 1,604,444 alleles (0.0019%); highest among the groups gnomAD compares: Non-Finnish European, 0.0021%; no homozygotes.

Submissions (3):

Labcorp Genetics (formerly Invitae), Labcorp
Classification: Uncertain significance for Neonatal-onset encephalopathy with rigidity and seizures. Last evaluated: 2024-11-18. Review status: criteria provided, single submitter. Criteria: Invitae Variant Classification Sherloc (09022015). Collection method: clinical testing. Allele origin: germline.
Comment: This sequence change replaces histidine, which is basic and polar, with proline, which is neutral and non-polar, at codon 307 of the BRAT1 protein (p.His307Pro). This variant is present in population databases (rs778881636, gnomAD 0.005%). This variant has not been reported in the literature in individuals affected with BRAT1-related conditions. ClinVar contains an entry for this variant (Variation ID: 963401). Invitae Evidence Modeling of protein sequence and biophysical properties (such as structural, functional, and spatial information, amino acid conservation, physicochemical variation, residue mobility, and thermodynamic stability) indicates that this missense variant is not expected to disrupt BRAT1 protein function with a negative predictive value of 95%. In summary, the available evidence is currently insufficient to determine the role of this variant in disease. Therefore, it has been classified as a Variant of Uncertain Significance.

CeGaT Center for Human Genetics Tuebingen
Classification: Uncertain significance. Last evaluated: 2023-07-01. Review status: criteria provided, single submitter. Criteria: CeGaT Center For Human Genetics Tuebingen Variant Classification Criteria Version 2. Collection method: clinical testing. Allele origin: germline. Affected: yes. Observed: 1 variant allele.
Comment: BRAT1: PM2, BP4

GeneDx
Classification: Uncertain significance. Last evaluated: 2023-04-19. Review status: criteria provided, single submitter. Criteria: GeneDx Variant Classification Process June 2021. Collection method: clinical testing. Allele origin: germline. Affected: yes.
Comment: Not observed at significant frequency in large population cohorts (gnomAD); In silico analysis supports that this missense variant does not alter protein structure/function; Has not been previously published as pathogenic or benign to our knowledge